The following is an entry in ClinVar:

NM_000540.3(RYR1):c.1294G>A (p.Gly432Ser)

Gene: RYR1 (ryanodine receptor 1; plus strand). Cytogenetic location: 19q13.2.
Variant type: single nucleotide variant.
Coding change: c.1294G>A on transcript NM_000540.3 (MANE Select); coding-DNA position 1294, G replaced by A.
Protein change: p.Gly432Ser; replaces glycine 432 with serine.
Molecular consequence: missense variant.
Genome position (GRCh38, 1-based): chr19:38,452,868, G>A. VCF-style: chr19-38452868-G-A. GRCh37 (hg19) VCF-style: chr19-38943508-G-A.
Other names: c.1294G>A, p.Gly432Ser (NM_001042723.2); short protein forms G432S.
Identifiers: ClinVar variation 872069 (VCV000872069.15), dbSNP rs1967153217, ClinGen allele CA405685575.
Genomic context (GRCh38, chr19:38,452,868, plus strand): 5'-GGTCCCTGTAGGAGCCTGGACAGCTTCAGCGGGAAGCCACGGGGCTCGGGGCCACCCGCT[G>A]GCACGGCGCTGCCCATCGAGGGCGTTATCCTGAGCCTGCAGGACCTCATCATCTACTTCG-3'
Protein context (NP_000531.2, residues 422-442): GKPRGSGPPA[Gly432Ser]TALPIEGVIL

ClinVar aggregate classification (germline): Uncertain significance (1 of 4 stars; one submission).

Conditions:
RYR1-related disorder. Also called: RYR1-related disorders; RYR1-related condition. Identifiers: MedGen CN239331.

Allele frequency attached by ClinVar (database versions not stated): TOPMed below 0.00001.

Submission:

Labcorp Genetics (formerly Invitae), Labcorp
Classification: Uncertain significance for RYR1-related disorder. Last evaluated: 2022-03-08. Review status: criteria provided, single submitter. Criteria: Invitae Variant Classification Sherloc (09022015). Collection method: clinical testing. Allele origin: germline.
Comment: This sequence change replaces glycine, which is neutral and non-polar, with serine, which is neutral and polar, at codon 432 of the RYR1 protein (p.Gly432Ser). This variant is not present in population databases (gnomAD no frequency). This variant has not been reported in the literature in individuals affected with RYR1-related conditions. ClinVar contains an entry for this variant (Variation ID: 872069). Advanced modeling of protein sequence and biophysical properties (such as structural, functional, and spatial information, amino acid conservation, physicochemical variation, residue mobility, and thermodynamic stability) performed at Invitae indicates that this missense variant is not expected to disrupt RYR1 protein function. In summary, the available evidence is currently insufficient to determine the role of this variant in disease. Therefore, it has been classified as a Variant of Uncertain Significance.